The following is an entry in ClinVar:

NM_020693.4(DSCAML1):c.3826A>G (p.Ser1276Gly)

Gene: DSCAML1 (DS cell adhesion molecule like 1; minus strand). Cytogenetic location: 11q23.3.
Variant type: single nucleotide variant.
Coding change: c.3826A>G on transcript NM_020693.4 (MANE Select); coding-DNA position 3826, A replaced by G.
Protein change: p.Ser1276Gly; replaces serine 1276 with glycine.
Molecular consequence: missense variant.
Genome position (GRCh38, 1-based): chr11:117,443,922, T>C on the plus strand (A>G on the coding strand, the complement: DSCAML1 is on the minus strand). VCF-style: chr11-117443922-T-C. GRCh37 (hg19) VCF-style: chr11-117314638-T-C.
Other names: short protein forms S1276G.
Identifiers: ClinVar variation 2757904 (VCV002757904.3), dbSNP rs1378575862, ClinGen allele CA382761877.

ClinVar aggregate classification (germline): Uncertain significance (1 of 4 stars; one submission).

Allele frequency attached by ClinVar (database versions not stated): gnomAD exomes below 0.00001.
gnomAD v4.1: 3 of 1,612,432 alleles (0.00019%); highest among the groups gnomAD compares: East Asian, 0.0022%; no homozygotes.

Submission:

Labcorp Genetics (formerly Invitae), Labcorp
Classification: Uncertain significance. Last evaluated: 2023-09-10. Review status: criteria provided, single submitter. Criteria: Invitae Variant Classification Sherloc (09022015). Collection method: clinical testing. Allele origin: germline.
Comment: In summary, the available evidence is currently insufficient to determine the role of this variant in disease. Therefore, it has been classified as a Variant of Uncertain Significance. Algorithms developed to predict the effect of missense changes on protein structure and function output the following: SIFT: "Not Available"; PolyPhen-2: "Benign"; Align-GVGD: "Not Available". The glycine amino acid residue is found in multiple mammalian species, which suggests that this missense change does not adversely affect protein function. This variant has not been reported in the literature in individuals affected with DSCAML1-related conditions. This variant is present in population databases (no rsID available, gnomAD 0.0009%). This sequence change replaces serine, which is neutral and polar, with glycine, which is neutral and non-polar, at codon 1336 of the DSCAML1 protein (p.Ser1336Gly).